The following is an entry in ClinVar:

NM_001077350.3(NPRL3):c.949G>A (p.Val317Met)

Genes: HBA-LCR (alpha-globin locus control region; plus strand), NPRL3 (NPR3 like, GATOR1 complex subunit; minus strand). Cytogenetic location: 16p13.3.
Variant type: single nucleotide variant.
Coding change: c.949G>A on transcript NM_001077350.3 (MANE Select); coding-DNA position 949, G replaced by A.
Protein change: p.Val317Met; replaces valine 317 with methionine.
Molecular consequence: missense variant.
Genome position (GRCh38, 1-based): chr16:93,301, C>T on the plus strand (G>A on the coding strand, the complement: NPRL3 is on the minus strand). VCF-style: chr16-93301-C-T. GRCh37 (hg19) VCF-style: chr16-143299-C-T.
Other names: c.412G>A, p.Val138Met (NM_001039476.3); c.715G>A, p.Val239Met (NM_001243247.2); c.874G>A, p.Val292Met (NM_001243248.2, NM_001243249.2); short protein forms V138M, V239M, V292M, V317M.
Identifiers: ClinVar variation 1687697 (VCV001687697.4), dbSNP rs1253043821, ClinGen allele CA394053746.

ClinVar aggregate classification (germline): Uncertain significance. Review status: criteria provided, multiple submitters, no conflicts (2 of 4 stars). 2 submissions from 2 submitters: Uncertain significance (2). Last evaluated 2024-02-07.

Allele frequency attached by ClinVar (database versions not stated): TOPMed below 0.00001; gnomAD 0.00001; gnomAD exomes 0.00001.
gnomAD v4.1: 8 of 1,558,106 alleles (0.00051%); highest among the groups gnomAD compares: South Asian, 0.0012%; no homozygotes.

Submissions (2):

Women's Health and Genetics/Laboratory Corporation of America, LabCorp
Classification: Uncertain significance. Last evaluated: 2024-02-07. Review status: criteria provided, single submitter. Criteria: LabCorp Variant Classification Summary - May 2015. Collection method: clinical testing. Allele origin: germline.
Comment: Variant summary: C16orf35 c.949G>A (p.Val317Met) results in a conservative amino acid change in the encoded protein sequence. Three of five in-silico tools predict a damaging effect of the variant on protein function. The variant allele was found at a frequency of 6e-06 in 165956 control chromosomes. The available data on variant occurrences in the general population are insufficient to allow any conclusion about variant significance. To our knowledge, no occurrence of c.949G>A in individuals affected with Epilepsy, Familial Focal, With Variable Foci 3 and no experimental evidence demonstrating its impact on protein function have been reported. ClinVar contains an entry for this variant (Variation ID: 1687697). Based on the evidence outlined above, the variant was classified as uncertain significance.

GeneDx
Classification: Uncertain significance. Last evaluated: 2021-11-24. Review status: criteria provided, single submitter. Criteria: GeneDx Variant Classification Process June 2021. Collection method: clinical testing. Allele origin: germline. Affected: yes.
Comment: Not observed at significant frequency in large population cohorts (gnomAD); In silico analysis supports that this missense variant does not alter protein structure/function; Has not been previously published as pathogenic or benign to our knowledge